The following is an entry in ClinVar:

ClinVar aggregate classification (germline): Likely benign (0 of 4 stars; one submission).

Conditions:
AGAP2-related disorder. Also called: AGAP2-related condition.

Submission:

PreventionGenetics, part of Exact Sciences
Classification: Likely benign for AGAP2-related condition. Last evaluated: 2024-04-29. Review status: no assertion criteria provided. Collection method: clinical testing. Allele origin: germline.
Comment: This variant is classified as likely benign based on ACMG/AMP sequence variant interpretation guidelines (Richards et al. 2015 PMID: 25741868, with internal and published modifications).

NM_001122772.3(AGAP2):c.2949T>A (p.Val983=)

Genes: AGAP2 (ArfGAP with GTPase domain, ankyrin repeat and PH domain 2; minus strand), AGAP2-AS1 (AGAP2 antisense RNA 1; plus strand). Cytogenetic location: 12q14.1.
Variant type: single nucleotide variant.
Coding change: c.2949T>A on transcript NM_001122772.3 (MANE Select); coding-DNA position 2949, T replaced by A.
Protein change: p.Val983=; no amino-acid change (valine 983 retained).
Molecular consequence: synonymous variant. On other transcripts: non-coding transcript variant (1).
Genome position (GRCh38, 1-based): chr12:57,727,491, A>T on the plus strand (T>A on the coding strand, the complement: AGAP2 is on the minus strand). VCF-style: chr12-57727491-A-T. GRCh37 (hg19) VCF-style: chr12-58121274-A-T.
Other names: c.1881T>A, p.Val627= (NM_014770.4).
Identifiers: ClinVar variation 3357016 (VCV003357016.1).